The following is an entry in ClinVar:

ClinVar aggregate classification (germline): Uncertain significance (1 of 4 stars; one submission).

gnomAD v4.1: 2 of 1,547,972 alleles (0.00013%); highest among the groups gnomAD compares: Non-Finnish European, 0.00017%; no homozygotes.

Submission:

Mayo Clinic Laboratories, Mayo Clinic
Classification: Uncertain significance. Last evaluated: 2025-03-18. Review status: criteria provided, single submitter. Criteria: ACMG Guidelines, 2015. Collection method: clinical testing. Allele origin: germline. Observed: 1 variant allele.
Comment: PP3, PM2_supporting

NM_001142864.4(PIEZO1):c.6758C>T (p.Ala2253Val)

Gene: PIEZO1 (piezo type mechanosensitive ion channel component 1 (Er blood group); minus strand). Cytogenetic location: 16q24.3.
Variant type: single nucleotide variant.
Coding change: c.6758C>T on transcript NM_001142864.4 (MANE Select); coding-DNA position 6758, C replaced by T.
Protein change: p.Ala2253Val; replaces alanine 2253 with valine.
Molecular consequence: missense variant.
Genome position (GRCh38, 1-based): chr16:88,716,727, G>A on the plus strand (C>T on the coding strand, the complement: PIEZO1 is on the minus strand). VCF-style: chr16-88716727-G-A. GRCh37 (hg19) VCF-style: chr16-88783135-G-A.
Other names: p.Ala2253Val; short protein forms A2253V.
Identifiers: ClinVar variation 4542084 (VCV004542084.1).